The following is an entry in ClinVar:

ClinVar aggregate classification (germline): Pathogenic (1 of 4 stars; one submission).

Submission:

Labcorp Genetics (formerly Invitae), Labcorp
Classification: Pathogenic. Last evaluated: 2024-02-24. Review status: criteria provided, single submitter. Criteria: Invitae Variant Classification Sherloc (09022015). Collection method: clinical testing. Allele origin: germline.
Comment: This sequence change creates a premature translational stop signal (p.Arg535*) in the ACAN gene. It is expected to result in an absent or disrupted protein product. Loss-of-function variants in ACAN are known to be pathogenic (PMID: 16080123, 24762113). This variant is not present in population databases (gnomAD no frequency). This variant has not been reported in the literature in individuals affected with ACAN-related conditions. ClinVar contains an entry for this variant (Variation ID: 2077548). Algorithms developed to predict the effect of sequence changes on RNA splicing suggest that this variant may disrupt the consensus splice site. For these reasons, this variant has been classified as Pathogenic.

Literature cited by the submitters: PubMed 16080123; PubMed 24762113.

NM_001369268.1(ACAN):c.1603A>T (p.Arg535Ter)

Gene: ACAN (aggrecan; plus strand). Cytogenetic location: 15q26.1.
Variant type: single nucleotide variant.
Coding change: c.1603A>T on transcript NM_001369268.1 (MANE Select); coding-DNA position 1603, A replaced by T.
Protein change: p.Arg535Ter; replaces arginine 535 with a stop codon.
Molecular consequence: nonsense.
Genome position (GRCh38, 1-based): chr15:88,847,416, A>T. VCF-style: chr15-88847416-A-T. GRCh37 (hg19) VCF-style: chr15-89390647-A-T.
Other names: c.1603A>T, p.Arg535Ter (NM_001135.4, NM_001411096.1, NM_001411097.1 and 1 more transcripts); short protein forms R535*.
Identifiers: ClinVar variation 2077548 (VCV002077548.4), dbSNP rs2505272471, ClinGen allele CA393710845.